The following is an entry in ClinVar:

NM_021813.4(BACH2):c.1699A>G (p.Met567Val)

Gene: BACH2 (BACH transcriptional regulator 2; minus strand). Cytogenetic location: 6q15.
Variant type: single nucleotide variant.
Coding change: c.1699A>G on transcript NM_021813.4 (MANE Select); coding-DNA position 1699, A replaced by G.
Protein change: p.Met567Val; replaces methionine 567 with valine.
Molecular consequence: missense variant.
Genome position (GRCh38, 1-based): chr6:89,950,407, T>C on the plus strand (A>G on the coding strand, the complement: BACH2 is on the minus strand). VCF-style: chr6-89950407-T-C. GRCh37 (hg19) VCF-style: chr6-90660126-T-C.
Other names: c.1699A>G, p.Met567Val (NM_001170794.2); short protein forms M567V.
Identifiers: ClinVar variation 3618631 (VCV003618631.2).

ClinVar aggregate classification (germline): Uncertain significance (1 of 4 stars; one submission).

gnomAD v4.1: 4 of 1,614,124 alleles (0.00025%); highest among the groups gnomAD compares: Non-Finnish European, 0.00034%; no homozygotes.

Submission:

Labcorp Genetics (formerly Invitae), Labcorp
Classification: Uncertain significance. Last evaluated: 2024-10-14. Review status: criteria provided, single submitter. Criteria: Invitae Variant Classification Sherloc (09022015). Collection method: clinical testing. Allele origin: germline.
Comment: This sequence change replaces methionine, which is neutral and non-polar, with valine, which is neutral and non-polar, at codon 567 of the BACH2 protein (p.Met567Val). This variant is present in population databases (no rsID available, gnomAD 0.0009%). This variant has not been reported in the literature in individuals affected with BACH2-related conditions. Invitae Evidence Modeling of protein sequence and biophysical properties (such as structural, functional, and spatial information, amino acid conservation, physicochemical variation, residue mobility, and thermodynamic stability) indicates that this missense variant is not expected to disrupt BACH2 protein function with a negative predictive value of 80%. In summary, the available evidence is currently insufficient to determine the role of this variant in disease. Therefore, it has been classified as a Variant of Uncertain Significance.